The following is an entry in ClinVar:

NM_002582.4(PARN):c.1670+4A>G

Gene: PARN (poly(A)-specific ribonuclease; minus strand). Cytogenetic location: 16p13.12.
Variant type: single nucleotide variant.
Coding change: c.1670+4A>G on transcript NM_002582.4 (MANE Select); 4 bases into the intron after coding-DNA position 1670, A replaced by G.
Molecular consequence: intron variant.
Genome position (GRCh38, 1-based): chr16:14,482,634, T>C on the plus strand (A>G on the coding strand, the complement: PARN is on the minus strand). VCF-style: chr16-14482634-T-C. GRCh37 (hg19) VCF-style: chr16-14576491-T-C.
Other names: c.1487+4A>G (NM_001134477.3); c.1532+4A>G (NM_001242992.2).
Identifiers: ClinVar variation 4786055 (VCV004786055.1).

ClinVar aggregate classification (germline): Uncertain significance (1 of 4 stars; one submission).

Conditions:
Pulmonary fibrosis and/or bone marrow failure, Telomere-related, 4. Also called: PULMONARY FIBROSIS AND/OR BONE MARROW FAILURE SYNDROME, TELOMERE-RELATED, 4. Identifiers: Orphanet 2032, MedGen C4225347, MONDO:0014612, OMIM 616371.
Dyskeratosis congenita, autosomal recessive 6 (DKCB6). Identifiers: MedGen C4225356, MONDO:0014600, OMIM 616353.

Submission:

Labcorp Genetics (formerly Invitae), Labcorp
Classification: Uncertain significance for Dyskeratosis congenita, autosomal recessive 6; Pulmonary fibrosis and/or bone marrow failure, Telomere-related, 4. Last evaluated: 2025-09-03. Review status: criteria provided, single submitter. Criteria: Invitae Variant Classification Sherloc (09022015). Collection method: clinical testing. Allele origin: germline.
Comment: This sequence change falls in intron 22 of the PARN gene. It does not directly change the encoded amino acid sequence of the PARN protein. It affects a nucleotide within the consensus splice site. This variant is not present in population databases (gnomAD no frequency). This variant has not been reported in the literature in individuals affected with PARN-related conditions. Variants that disrupt the consensus splice site are a relatively common cause of aberrant splicing (PMID: 17576681, 9536098). Algorithms developed to predict the effect of sequence changes on RNA splicing suggest that this variant is not likely to affect RNA splicing. In summary, the available evidence is currently insufficient to determine the role of this variant in disease. Therefore, it has been classified as a Variant of Uncertain Significance.

Literature cited by the submitters: PubMed 17576681; PubMed 9536098.